The following is an entry in ClinVar:

ClinVar aggregate classification (germline): Likely benign. Review status: criteria provided, multiple submitters, no conflicts (2 of 4 stars). 2 submissions from 2 submitters: Likely benign (2). Last evaluated 2025-10-22.

Conditions:
Autosomal recessive polycystic kidney disease (ARPKD). Also called: AR polycystic kidney disease. Identifiers: Orphanet 731, Orphanet 8378, MedGen C0085548, MeSH D017044, MONDO:0009889.
PKHD1-related disorder. Also called: PKHD1-related condition.

Allele frequency attached by ClinVar (database versions not stated): gnomAD exomes 0.00001; TOPMed below 0.00001.
gnomAD v4.1: 4 of 1,614,262 alleles (0.00025%); highest among the groups gnomAD compares: Non-Finnish European, 0.00025%; no homozygotes.

Submissions (2):

PreventionGenetics, part of Exact Sciences
Classification: Likely benign for PKHD1-related condition. Last evaluated: 2025-10-22. Review status: criteria provided, single submitter. Criteria: ACMG Guidelines, 2015. Collection method: clinical testing. Allele origin: germline.
Comment: This variant is classified as likely benign based on ACMG/AMP sequence variant interpretation guidelines (Richards et al. 2015 PMID: 25741868, with internal and published modifications).

Labcorp Genetics (formerly Invitae), Labcorp
Classification: Likely benign for Autosomal recessive polycystic kidney disease. Last evaluated: 2023-03-23. Review status: criteria provided, single submitter. Criteria: Invitae Variant Classification Sherloc (09022015). Collection method: clinical testing. Allele origin: germline.

NM_138694.4(PKHD1):c.12030G>A (p.Gln4010=)

Gene: PKHD1 (PKHD1 ciliary IPT domain containing fibrocystin/polyductin; minus strand). Cytogenetic location: 6p12.3.
Variant type: single nucleotide variant.
Coding change: c.12030G>A on transcript NM_138694.4 (MANE Select); coding-DNA position 12030, G replaced by A.
Protein change: p.Gln4010=; no amino-acid change (glutamine 4010 retained).
Molecular consequence: synonymous variant.
Genome position (GRCh38, 1-based): chr6:51,619,276, C>T on the plus strand (G>A on the coding strand, the complement: PKHD1 is on the minus strand). VCF-style: chr6-51619276-C-T. GRCh37 (hg19) VCF-style: chr6-51484074-C-T.
Other names: c.12030G>A (NM_138694.3).
Identifiers: ClinVar variation 1673598 (VCV001673598.9), dbSNP rs1232544199, ClinGen allele CA450612750.